The following is an entry in ClinVar:

ClinVar aggregate classification (germline): Uncertain significance (1 of 4 stars; one submission).

Conditions:
PLXNA1-related disorder. Also called: PLXNA1-related condition.

Submission:

PreventionGenetics, part of Exact Sciences
Classification: Uncertain significance for PLXNA1-related condition. Last evaluated: 2026-09-21. Review status: criteria provided, single submitter. Criteria: ACMG Guidelines, 2015. Collection method: clinical testing. Allele origin: germline.
Comment: The PLXNA1 c.3605_3606delinsT variant is predicted to result in a frameshift and premature protein termination (p.Ser1202Leufs*40). To our knowledge, this variant has not been reported in the literature or in a large population database (gnomAD), indicating this variant is rare. Loss of function is not a well established mechanism of PLXNA1-related disease. Although we suspect that this variant may be pathogenic, at this time, the clinical significance of this variant is uncertain due to the absence of conclusive functional and genetic evidence.

NM_032242.4(PLXNA1):c.3605_3606delinsT (p.Ser1202fs)

Gene: PLXNA1 (plexin A1; plus strand). Cytogenetic location: 3q21.3.
Variant type: Indel.
Coding change: c.3605_3606delinsT on transcript NM_032242.4 (MANE Select); coding-DNA positions 3605 to 3606, CG replaced by T.
Protein change: p.Ser1202fs; shifts the reading frame from serine 1202.
Molecular consequence: frameshift variant.
Genome position (GRCh38, 1-based): chr3:127,017,837-127,017,838, CG replaced by T. VCF-style: chr3-127017837-CG-T. GRCh37 (hg19) VCF-style: chr3-126736680-CG-T.
Other names: short protein forms S1202fs.
Identifiers: ClinVar variation 5002426 (VCV005002426.1).